The following is an entry in ClinVar:

NM_145167.3(PIGM):c.649G>C (p.Glu217Gln)

Gene: PIGM (phosphatidylinositol glycan anchor biosynthesis class M; minus strand). Cytogenetic location: 1q23.2.
Variant type: single nucleotide variant.
Coding change: c.649G>C on transcript NM_145167.3 (MANE Select); coding-DNA position 649, G replaced by C.
Protein change: p.Glu217Gln; replaces glutamic acid 217 with glutamine.
Molecular consequence: missense variant.
Genome position (GRCh38, 1-based): chr1:160,031,091, C>G on the plus strand (G>C on the coding strand, the complement: PIGM is on the minus strand). VCF-style: chr1-160031091-C-G. GRCh37 (hg19) VCF-style: chr1-160000881-C-G.
Other names: short protein forms E217Q.
Identifiers: ClinVar variation 2722137 (VCV002722137.4), dbSNP rs536604932, ClinGen allele CA1192999.
Genomic context (GRCh38, chr1:160,031,091, plus strand): 5'-TGAGTCCAGCAACTGCTACAAACAGCAGCACAGCCCGATTACACAGCCTTTTCAGGAGCT[C>G]GTACAAACAAGCCTGGAAAGTGTACCGGAATTGACGGAGGCTTTTGTCATTGTCGCGATC-3'
Protein context (NP_660150.1, residues 207-227): FRYTFQACLY[Glu217Gln]LLKRLCNRAV

ClinVar aggregate classification (germline): Uncertain significance. Review status: criteria provided, multiple submitters, no conflicts (2 of 4 stars). 2 submissions from 2 submitters: Uncertain significance (2). Last evaluated 2023-12-03.

Conditions:
Hypercoagulability syndrome due to glycosylphosphatidylinositol deficiency (GPIBD1). Also called: GLYCOSYLPHOSPHATIDYLINOSITOL BIOSYNTHESIS DEFECT 1. Identifiers: Orphanet 83639, MedGen C5201145, MONDO:0012465, OMIM 610293.

Allele frequency attached by ClinVar (database versions not stated): ExAC 0.00001; 1000 Genomes Project 30x 0.00031; 1000 Genomes Project 0.00040.

Submissions (2):

GeneDx
Classification: Uncertain significance. Last evaluated: 2023-12-03. Review status: criteria provided, single submitter. Criteria: GeneDx Variant Classification Process June 2021. Collection method: clinical testing. Allele origin: germline. Affected: yes.
Comment: Not observed at significant frequency in large population cohorts (gnomAD); In silico analysis supports that this missense variant does not alter protein structure/function; Has not been previously published as pathogenic or benign to our knowledge

Labcorp Genetics (formerly Invitae), Labcorp
Classification: Uncertain significance for Hypercoagulability syndrome due to glycosylphosphatidylinositol deficiency. Last evaluated: 2023-11-24. Review status: criteria provided, single submitter. Criteria: Invitae Variant Classification Sherloc (09022015). Collection method: clinical testing. Allele origin: germline.
Comment: This sequence change replaces glutamic acid, which is acidic and polar, with glutamine, which is neutral and polar, at codon 217 of the PIGM protein (p.Glu217Gln). This variant is present in population databases (rs536604932, gnomAD 0.009%). This variant has not been reported in the literature in individuals affected with PIGM-related conditions. Advanced modeling of protein sequence and biophysical properties (such as structural, functional, and spatial information, amino acid conservation, physicochemical variation, residue mobility, and thermodynamic stability) performed at Invitae indicates that this missense variant is not expected to disrupt PIGM protein function with a negative predictive value of 80%. In summary, the available evidence is currently insufficient to determine the role of this variant in disease. Therefore, it has been classified as a Variant of Uncertain Significance.